The following is an entry in ClinVar:

ClinVar aggregate classification (germline): Uncertain significance (1 of 4 stars; one submission).

Conditions:
Peters plus syndrome. Also called: KRAUSE-KIVLIN SYNDROME. Identifiers: Orphanet 709, MedGen C0796012, MONDO:0009856, OMIM 261540.

Submission:

Juno Genomics, Hangzhou Juno Genomics, Inc
Classification: Uncertain significance for Peters plus syndrome. Review status: criteria provided, single submitter. Criteria: ACMG Guidelines, 2015. Collection method: clinical testing. Allele origin: germline.
Comment: Absent from controls (or at extremely low frequency if recessive) in Genome Aggregation Database.;Protein length changes due to in-frame deletions/insertions in a non-repeat region or stop-loss variants.

NM_194318.4(B3GLCT):c.36_53del (p.Pro13_Leu18del)

Genes: B3GLCT (beta 3-glucosyltransferase; plus strand), LOC130009514 (ATAC-STARR-seq lymphoblastoid silent region 5240; plus strand). Cytogenetic location: 13q12.3.
Variant type: Deletion.
Coding change: c.36_53del on transcript NM_194318.4 (MANE Select); coding-DNA positions 36 to 53, 18 bases deleted (GCCGGCGCTGCTCGCGCT).
Protein change: p.Pro13_Leu18del.
Molecular consequence: inframe deletion.
Genome position (GRCh38, 1-based): chr13:31,200,120-31,200,137, GCCGGCGCTGCTCGCGCT deleted. VCF-style (leftmost placement, unchanged base first): chr13-31200119-CGCCGGCGCTGCTCGCGCT-C. GRCh37 (hg19) VCF-style: chr13-31774256-CGCCGGCGCTGCTCGCGCT-C.
Identifiers: ClinVar variation 5005240 (VCV005005240.2).